The following is an entry in ClinVar:

NM_022482.5(GZF1):c.782C>T (p.Pro261Leu)

Gene: GZF1 (GDNF inducible zinc finger protein 1; plus strand). Cytogenetic location: 20p11.21.
Variant type: single nucleotide variant.
Coding change: c.782C>T on transcript NM_022482.5 (MANE Select); coding-DNA position 782, C replaced by T.
Protein change: p.Pro261Leu; replaces proline 261 with leucine.
Molecular consequence: missense variant.
Genome position (GRCh38, 1-based): chr20:23,365,165, C>T. VCF-style: chr20-23365165-C-T. GRCh37 (hg19) VCF-style: chr20-23345802-C-T.
Other names: c.782C>T (NM_022482.3); c.782C>T, p.Pro261Leu (NM_001317012.2, NM_001317019.1); short protein forms P261L.
Identifiers: ClinVar variation 1379988 (VCV001379988.9), dbSNP rs769670381, ClinGen allele CA9788569.

ClinVar aggregate classification (germline): Uncertain significance. Review status: criteria provided, multiple submitters, no conflicts (2 of 4 stars). 2 submissions from 2 submitters: Uncertain significance (2). Last evaluated 2022-07-05.

Conditions:
Inborn genetic diseases. Identifiers: MedGen C0950123, MeSH D030342.

Allele frequency attached by ClinVar (database versions not stated): gnomAD 0.00003 and 0.00004; gnomAD exomes 0.00003 and 0.00005; ExAC 0.00007.
gnomAD v4.1: 57 of 1,612,590 alleles (0.0035%); highest among the groups gnomAD compares: Admixed American, 0.015%; no homozygotes.

Submissions (2):

Labcorp Genetics (formerly Invitae), Labcorp
Classification: Uncertain significance. Last evaluated: 2022-07-05. Review status: criteria provided, single submitter. Criteria: Invitae Variant Classification Sherloc (09022015). Collection method: clinical testing. Allele origin: germline.
Comment: In summary, the available evidence is currently insufficient to determine the role of this variant in disease. Therefore, it has been classified as a Variant of Uncertain Significance. Algorithms developed to predict the effect of missense changes on protein structure and function output the following: SIFT: "Not Available"; PolyPhen-2: "Benign"; Align-GVGD: "Not Available". The leucine amino acid residue is found in multiple mammalian species, which suggests that this missense change does not adversely affect protein function. ClinVar contains an entry for this variant (Variation ID: 1379988). This variant has not been reported in the literature in individuals affected with GZF1-related conditions. This variant is present in population databases (rs769670381, gnomAD 0.02%). This sequence change replaces proline with leucine at codon 261 of the GZF1 protein (p.Pro261Leu). The proline residue is weakly conserved and there is a moderate physicochemical difference between proline and leucine.

Ambry Genetics
Classification: Uncertain significance for Inborn genetic diseases. Last evaluated: 2021-12-06. Review status: criteria provided, single submitter. Criteria: Ambry Variant Classification Scheme 2023. Collection method: clinical testing. Allele origin: germline.